The following is an entry in ClinVar:

NM_003482.4(KMT2D):c.4573C>G (p.His1525Asp)

Gene: KMT2D (lysine methyltransferase 2D; minus strand). Cytogenetic location: 12q13.12.
Variant type: single nucleotide variant.
Coding change: c.4573C>G on transcript NM_003482.4 (MANE Select); coding-DNA position 4573, C replaced by G.
Protein change: p.His1525Asp; replaces histidine 1525 with aspartic acid.
Molecular consequence: missense variant.
Genome position (GRCh38, 1-based): chr12:49,046,270, G>C on the plus strand (C>G on the coding strand, the complement: KMT2D is on the minus strand). VCF-style: chr12-49046270-G-C. GRCh37 (hg19) VCF-style: chr12-49440053-G-C.
Other names: short protein forms H1525D.
Identifiers: ClinVar variation 3635156 (VCV003635156.3).

ClinVar aggregate classification (germline): Uncertain significance. Review status: criteria provided, multiple submitters, no conflicts (2 of 4 stars). 2 submissions from 2 submitters: Uncertain significance (2). Last evaluated 2024-04-25.

Conditions:
Kabuki syndrome. Also called: NIIKAWA-KUROKI SYNDROME; Kabuki make-up syndrome. Identifiers: Orphanet 2322, MedGen C0796004, MONDO:0016512.

Submissions (2):

Labcorp Genetics (formerly Invitae), Labcorp
Classification: Uncertain significance for Kabuki syndrome. Last evaluated: 2024-04-25. Review status: criteria provided, single submitter. Criteria: Invitae Variant Classification Sherloc (09022015). Collection method: clinical testing. Allele origin: germline.
Comment: This sequence change replaces histidine, which is basic and polar, with aspartic acid, which is acidic and polar, at codon 1525 of the KMT2D protein (p.His1525Asp). This variant is not present in population databases (gnomAD no frequency). This variant has not been reported in the literature in individuals affected with KMT2D-related conditions. Advanced modeling of protein sequence and biophysical properties (such as structural, functional, and spatial information, amino acid conservation, physicochemical variation, residue mobility, and thermodynamic stability) has been performed at Invitae for this missense variant, however the output from this modeling did not meet the statistical confidence thresholds required to predict the impact of this variant on KMT2D protein function. In summary, the available evidence is currently insufficient to determine the role of this variant in disease. Therefore, it has been classified as a Variant of Uncertain Significance.

Blueprint Genetics
Classification: Uncertain significance. Last evaluated: 2019-10-11. Review status: criteria provided, single submitter. Criteria: ACMG Guidelines, 2015. Collection method: clinical testing. Allele origin: germline.